The following is an entry in ClinVar:

NM_000548.5(TSC2):c.229G>A (p.Ala77Thr)

Gene: TSC2 (TSC complex subunit 2; plus strand). Cytogenetic location: 16p13.3.
Variant type: single nucleotide variant.
Coding change: c.229G>A on transcript NM_000548.5 (MANE Select); coding-DNA position 229, G replaced by A.
Protein change: p.Ala77Thr; replaces alanine 77 with threonine.
Molecular consequence: missense variant. On other transcripts: intron variant (2).
Genome position (GRCh38, 1-based): chr16:2,053,345, G>A. VCF-style: chr16-2053345-G-A. GRCh37 (hg19) VCF-style: chr16-2103346-G-A.
Other names: c.229G>A, p.Ala77Thr (NM_001077183.3, NM_001114382.3, NM_001363528.2 and 3 more transcripts); c.82G>A, p.Ala28Thr (NM_001318829.2); c.262G>A, p.Ala88Thr (NM_001318832.2); c.226-951G>A (NM_001318827.2); c.-1-2851G>A (NM_001318831.2); short protein forms A77T, A88T, A28T.
Identifiers: ClinVar variation 576940 (VCV000576940.33), dbSNP rs777459404, ClinGen allele CA038299.
Genomic context (GRCh38, chr16:2,053,345, plus strand): 5'-CGGGGCCAGGGTTCTTGGAGAGCACATCCTCACCGCTGTCCCCTCTGCTGGTGACAGCAC[G>A]CAGTGGAAGCACTCTGGAAGGCGGTCGCGGATCTGTTGCAGCCGGAGCGGCCGCTGGAGG-3'
Protein context (NP_000539.2, residues 67-87): VAKTKKFEEH[Ala77Thr]VEALWKAVAD

ClinVar aggregate classification (germline): Conflicting classifications of pathogenicity. Review status: criteria provided, conflicting classifications (1 of 4 stars). 7 submissions from 7 submitters: Uncertain significance (6); Benign (1). Last evaluated 2026-01-13.

Conditions:
Tuberous sclerosis syndrome (TSC). Also called: Tuberous Sclerosis Complex; Tuberous sclerosis. Identifiers: Orphanet 805, MedGen C0041341, MONDO:0001734.
Tuberous sclerosis 2 (TSC2). Identifiers: Orphanet 805, MedGen C1860707, MONDO:0013199, OMIM 613254.
Hereditary cancer-predisposing syndrome. Also called: Tumor predisposition; Hereditary Cancer Syndrome; Hereditary neoplastic syndrome; Neoplastic Syndromes, Hereditary. Identifiers: Orphanet 140162, MedGen C0027672, MeSH D009386, MONDO:0015356.

Allele frequency attached by ClinVar (database versions not stated): TOPMed below 0.00001; gnomAD 0.00001; ExAC 0.00007.
gnomAD v4.1: 6 of 1,581,224 alleles (0.00038%); highest among the groups gnomAD compares: Admixed American, 0.0018%; no homozygotes.

Submissions (7):

Labcorp Genetics (formerly Invitae), Labcorp
Classification: Benign for Tuberous sclerosis 2. Last evaluated: 2026-01-13. Review status: criteria provided, single submitter. Criteria: Invitae Variant Classification Sherloc (09022015). Collection method: clinical testing. Allele origin: germline.

Color Diagnostics, LLC DBA Color Health
Classification: Uncertain significance for Tuberous sclerosis syndrome. Last evaluated: 2025-07-14. Review status: criteria provided, single submitter. Criteria: ACMG Guidelines, 2015. Collection method: clinical testing. Allele origin: germline.
Comment: This missense variant replaces alanine with threonine at codon 77 of the TSC2 protein. Computational prediction is inconclusive regarding the impact of this variant on protein structure and function. To our knowledge, functional studies have not been reported for this variant. This variant has not been reported in individuals affected with TSC2-related disorders in the literature. This variant has not been identified in the general population by the Genome Aggregation Database (gnomAD). The available evidence is insufficient to determine the role of this variant in disease conclusively. Therefore, this variant is classified as a Variant of Uncertain Significance.

CeGaT Center for Human Genetics Tuebingen
Classification: Uncertain significance. Last evaluated: 2024-09-01. Review status: criteria provided, single submitter. Criteria: CeGaT Center For Human Genetics Tuebingen Variant Classification Criteria Version 2. Collection method: clinical testing. Allele origin: germline. Affected: yes. Observed: 1 variant allele.

Ambry Genetics
Classification: Uncertain significance for Hereditary cancer-predisposing syndrome. Last evaluated: 2024-08-21. Review status: criteria provided, single submitter. Criteria: Ambry Variant Classification Scheme 2023. Collection method: clinical testing. Allele origin: germline.
Comment: The p.A77T variant (also known as c.229G>A), located in coding exon 3 of the TSC2 gene, results from a G to A substitution at nucleotide position 229. The alanine at codon 77 is replaced by threonine, an amino acid with similar properties. This amino acid position is highly conserved in available vertebrate species. In addition, the in silico prediction for this alteration is inconclusive. Based on the available evidence, the clinical significance of this variant remains unclear.

GeneDx
Classification: Uncertain significance. Last evaluated: 2023-12-22. Review status: criteria provided, single submitter. Criteria: GeneDx Variant Classification Process June 2021. Collection method: clinical testing. Allele origin: germline. Affected: yes.
Comment: In silico analysis supports that this missense variant has a deleterious effect on protein structure/function; Has not been previously published as pathogenic or benign to our knowledge; This variant is associated with the following publications: (PMID: 18466115)

Genome-Nilou Lab
Classification: Uncertain significance for Tuberous sclerosis 2. Last evaluated: 2021-11-07. Review status: criteria provided, single submitter. Criteria: ACMG Guidelines, 2015. Collection method: clinical testing. Allele origin: germline. Affected: no.

Baylor Genetics
Classification: Uncertain significance for Tuberous sclerosis 2. Last evaluated: 2020-01-10. Review status: criteria provided, single submitter. Criteria: ACMG Guidelines, 2015. Collection method: clinical testing. Allele origin: maternal. Affected: yes. Study: CSER-TexasKidsCanSeq.
Comment: This variant was determined to be of uncertain significance according to ACMG Guidelines, 2015 [PMID:25741868].